The following is an entry in ClinVar:

ClinVar aggregate classification (germline): Uncertain significance. Review status: criteria provided, multiple submitters, no conflicts (2 of 4 stars). 2 submissions from 2 submitters: Uncertain significance (2). Last evaluated 2025-08-06.

Allele frequency attached by ClinVar (database versions not stated): TOPMed below 0.00001; gnomAD 0.00001; gnomAD exomes 0.00001 and 0.00003; ExAC 0.00002; 1000 Genomes Project 30x 0.00016; 1000 Genomes Project 0.00020.
gnomAD v4.1: 24 of 1,613,964 alleles (0.0015%); highest among the groups gnomAD compares: Middle Eastern, 0.034%; 1 homozygote.

Submissions (2):

Ambry Genetics
Classification: Uncertain significance. Last evaluated: 2025-08-06. Review status: criteria provided, single submitter. Criteria: Ambry Variant Classification Scheme 2023. Collection method: clinical testing. Allele origin: germline.

Labcorp Genetics (formerly Invitae), Labcorp
Classification: Uncertain significance. Last evaluated: 2025-04-12. Review status: criteria provided, single submitter. Criteria: Invitae Variant Classification Sherloc (09022015). Collection method: clinical testing. Allele origin: germline.
Comment: This sequence change replaces asparagine, which is neutral and polar, with serine, which is neutral and polar, at codon 573 of the ERMARD protein (p.Asn573Ser). This variant is present in population databases (rs189578473, gnomAD 0.01%). This variant has not been reported in the literature in individuals affected with ERMARD-related conditions. ClinVar contains an entry for this variant (Variation ID: 1357395). An algorithm developed to predict the effect of missense changes on protein structure and function (PolyPhen-2) suggests that this variant is likely to be disruptive. In summary, the available evidence is currently insufficient to determine the role of this variant in disease. Therefore, it has been classified as a Variant of Uncertain Significance.

NM_018341.3(ERMARD):c.1718A>G (p.Asn573Ser)

Gene: ERMARD (ER membrane associated RNA degradation; plus strand). Cytogenetic location: 6q27.
Variant type: single nucleotide variant.
Coding change: c.1718A>G on transcript NM_018341.3 (MANE Select); coding-DNA position 1718, A replaced by G.
Protein change: p.Asn573Ser; replaces asparagine 573 with serine.
Molecular consequence: missense variant. On other transcripts: intron variant (2).
Genome position (GRCh38, 1-based): chr6:169,776,652, A>G. VCF-style: chr6-169776652-A-G. GRCh37 (hg19) VCF-style: chr6-170176748-A-G.
Other names: c.1340A>G, p.Asn447Ser (NM_001278532.2); c.1598+241A>G (NM_001278531.2); c.1520+587A>G (NM_001278533.2); c.1718A>G (NM_018341.1); short protein forms N447S, N573S.
Identifiers: ClinVar variation 1357395 (VCV001357395.7), dbSNP rs189578473, ClinGen allele CA4106391.
Genomic context (GRCh38, chr6:169,776,652, plus strand): 5'-CCTCAGAGCTGAGACACAGGCAGTGGGTGGAAAGGACGCTGCGGTCTCGCCAGCGGCAGA[A>G]CTACCTGCGTATGTGGAGTAGGTGCGCGCTCACTTTCCTGTTTTGGAGGGGCACTGTGGG-3'
Protein context (NP_060811.1, residues 563-583): ERTLRSRQRQ[Asn573Ser]YLRMWSSIRL